The following is an entry in ClinVar:

NM_005689.4(ABCB6):c.403C>A (p.Arg135Ser)

Gene: ABCB6 (ATP binding cassette subfamily B member 6 (LAN blood group); minus strand). Cytogenetic location: 2q35.
Variant type: single nucleotide variant.
Coding change: c.403C>A on transcript NM_005689.4 (MANE Select); coding-DNA position 403, C replaced by A.
Protein change: p.Arg135Ser; replaces arginine 135 with serine.
Molecular consequence: missense variant.
Genome position (GRCh38, 1-based): chr2:219,218,271, G>T on the plus strand (C>A on the coding strand, the complement: ABCB6 is on the minus strand). VCF-style: chr2-219218271-G-T. GRCh37 (hg19) VCF-style: chr2-220082993-G-T.
Other names: p.Arg135Ser; c.403C>A, p.Arg135Ser (NM_001349828.2); short protein forms R135S.
Identifiers: ClinVar variation 3720412 (VCV003720412.3).
Genomic context (GRCh38, chr2:219,218,271, plus strand): 5'-TCCAGAGGAGCAGGAGACCAGGGCTGTGCCTGAACTTGATCCAGATGCCCATTGCCAGAC[G>T]CTGCCGTGCCTGGCTCCGCTCCACGACAAGCAGCCACAGGCCACAGGCGCCGGCCAGACT-3'
Protein context (NP_005680.1, residues 125-145): LVVERSQARQ[Arg135Ser]LAMGIWIKFR

ClinVar aggregate classification (germline): Uncertain significance. Review status: criteria provided, multiple submitters, no conflicts (2 of 4 stars). 2 submissions from 2 submitters: Uncertain significance (2). Last evaluated 2025-05-07.

Submissions (2):

Mayo Clinic Laboratories, Mayo Clinic
Classification: Uncertain significance. Last evaluated: 2025-05-07. Review status: criteria provided, single submitter. Criteria: ACMG Guidelines, 2015. Collection method: clinical testing. Allele origin: germline. Observed: 1 variant allele.
Comment: BP4

Labcorp Genetics (formerly Invitae), Labcorp
Classification: Uncertain significance. Last evaluated: 2024-06-03. Review status: criteria provided, single submitter. Criteria: Invitae Variant Classification Sherloc (09022015). Collection method: clinical testing. Allele origin: germline.
Comment: This sequence change replaces arginine, which is basic and polar, with serine, which is neutral and polar, at codon 135 of the ABCB6 protein (p.Arg135Ser). This variant is present in population databases (rs202232534, gnomAD 0.06%). This variant has not been reported in the literature in individuals affected with ABCB6-related conditions. Algorithms developed to predict the effect of missense changes on protein structure and function output the following: SIFT: "Not Available"; PolyPhen-2: "Benign"; Align-GVGD: "Not Available". The serine amino acid residue is found in multiple mammalian species, which suggests that this missense change does not adversely affect protein function. In summary, the available evidence is currently insufficient to determine the role of this variant in disease. Therefore, it has been classified as a Variant of Uncertain Significance.

Literature cited by the submitters: PubMed 24400966 (cited by Mayo Clinic Laboratories, Mayo Clinic); PubMed 24456066 (cited by Mayo Clinic Laboratories, Mayo Clinic).